The following is an entry in ClinVar:

NM_004329.3(BMPR1A):c.1274A>T (p.Tyr425Phe)

Gene: BMPR1A (bone morphogenetic protein receptor type 1A; plus strand). Cytogenetic location: 10q23.2.
Variant type: single nucleotide variant.
Coding change: c.1274A>T on transcript NM_004329.3 (MANE Select); coding-DNA position 1274, A replaced by T.
Protein change: p.Tyr425Phe; replaces tyrosine 425 with phenylalanine.
Molecular consequence: missense variant.
Genome position (GRCh38, 1-based): chr10:86,921,627, A>T. VCF-style: chr10-86921627-A-T. GRCh37 (hg19) VCF-style: chr10-88681384-A-T.
Other names: short protein forms Y425F.
Identifiers: ClinVar variation 216577 (VCV000216577.36), dbSNP rs758599378, ClinGen allele CA335785.

ClinVar aggregate classification (germline): Conflicting classifications of pathogenicity. Review status: criteria provided, conflicting classifications (1 of 4 stars). 9 submissions from 9 submitters: Uncertain significance (8); Benign (1). Last evaluated 2025-12-22.

Conditions:
Juvenile polyposis syndrome (JPS). Identifiers: Orphanet 2929, MedGen C0345893, MONDO:0017380, OMIM 174900.
Hereditary cancer-predisposing syndrome. Also called: Neoplastic Syndromes, Hereditary; Tumor predisposition; Hereditary Cancer Syndrome; Hereditary neoplastic syndrome. Identifiers: Orphanet 140162, MedGen C0027672, MeSH D009386, MONDO:0015356.
Polyposis syndrome, hereditary mixed, 2. Identifiers: Orphanet 157794, MedGen C1864730, MONDO:0012405, OMIM 610069.

Allele frequency attached by ClinVar (database versions not stated): gnomAD 0.00001; gnomAD exomes 0.00001 and 0.00002; TOPMed 0.00001; ExAC 0.00002.
gnomAD v4.1: 20 of 1,614,108 alleles (0.0012%); highest among the groups gnomAD compares: Admixed American, 0.0017%; no homozygotes.

Submissions (9):

Labcorp Genetics (formerly Invitae), Labcorp
Classification: Uncertain significance for Juvenile polyposis syndrome. Last evaluated: 2025-12-22. Review status: criteria provided, single submitter. Criteria: Invitae Variant Classification Sherloc (09022015). Collection method: clinical testing. Allele origin: germline.
Comment: This sequence change replaces tyrosine, which is neutral and polar, with phenylalanine, which is neutral and non-polar, at codon 425 of the BMPR1A protein (p.Tyr425Phe). This variant is present in population databases (rs758599378, gnomAD 0.004%). This variant has not been reported in the literature in individuals affected with BMPR1A-related conditions. ClinVar contains an entry for this variant (Variation ID: 216577). Invitae Evidence Modeling incorporating data from in vitro experimental studies (internal data) indicates that this missense variant is not expected to disrupt BMPR1A function with a negative predictive value of 95%. In summary, the available evidence is currently insufficient to determine the role of this variant in disease. Therefore, it has been classified as a Variant of Uncertain Significance.

Center for Genomic Medicine, Rigshospitalet, Copenhagen University Hospital
Classification: Uncertain significance. Last evaluated: 2025-03-04. Review status: criteria provided, single submitter. Criteria: ACMG Guidelines, 2015. Collection method: clinical testing. Allele origin: germline.

GeneDx
Classification: Uncertain significance. Last evaluated: 2024-06-26. Review status: criteria provided, single submitter. Criteria: GeneDx Variant Classification Process June 2021. Collection method: clinical testing. Allele origin: germline. Affected: yes.
Comment: Not observed at significant frequency in large population cohorts (gnomAD); In silico analysis indicates that this missense variant does not alter protein structure/function; Has not been previously published as pathogenic or benign to our knowledge

Blueprint Genetics
Classification: Uncertain significance. Last evaluated: 2024-05-13. Review status: criteria provided, single submitter. Criteria: ACMG Guidelines, 2015. Collection method: clinical testing. Allele origin: germline.

Baylor Genetics
Classification: Uncertain significance for Polyposis syndrome, hereditary mixed, 2. Last evaluated: 2024-02-11. Review status: criteria provided, single submitter. Criteria: ACMG Guidelines, 2015. Collection method: clinical testing. Allele origin: unknown.

All of Us Research Program, National Institutes of Health
Classification: Uncertain significance for Juvenile polyposis syndrome. Last evaluated: 2023-11-20. Review status: criteria provided, single submitter. Criteria: ACMG Guidelines, 2015. Collection method: clinical testing. Allele origin: germline. Inheritance: Autosomal dominant inheritance. Observed: 2 variant alleles, 2 heterozygotes.
Comment: This missense variant replaces tyrosine with phenylalanine at codon 425 of the BMPR1A protein. Computational prediction is inconclusive regarding the impact of this variant on protein structure and function (internally defined REVEL score threshold 0.5 < inconclusive < 0.7, PMID: 27666373). To our knowledge, functional studies have not been reported for this variant. This variant has not been reported in individuals affected with BMPR1A-related disorders in the literature. This variant has been identified in 4/251496 chromosomes in the general population by the Genome Aggregation Database (gnomAD). The available evidence is insufficient to determine the role of this variant in disease conclusively. Therefore, this variant is classified as a Variant of Uncertain Significance.

This study involves interpretation of variants in research participants for the purpose of population health screening. Participant phenotype was not available at the time of variant classification. Additional details can be found in publication PMID: 35346344, PMCID: PMC8962531

Color Diagnostics, LLC DBA Color Health
Classification: Uncertain significance for Hereditary cancer-predisposing syndrome. Last evaluated: 2023-11-01. Review status: criteria provided, single submitter. Criteria: ACMG Guidelines, 2015. Collection method: clinical testing. Allele origin: germline.
Comment: This missense variant replaces tyrosine with phenylalanine at codon 425 of the BMPR1A protein. Computational prediction is inconclusive regarding the impact of this variant on protein structure and function (internally defined REVEL score threshold 0.5 < inconclusive < 0.7, PMID: 27666373). To our knowledge, functional studies have not been reported for this variant. This variant has not been reported in individuals affected with BMPR1A-related disorders in the literature. This variant has been identified in 4/251496 chromosomes in the general population by the Genome Aggregation Database (gnomAD). The available evidence is insufficient to determine the role of this variant in disease conclusively. Therefore, this variant is classified as a Variant of Uncertain Significance.

Ambry Genetics
Classification: Benign for Hereditary cancer-predisposing syndrome. Last evaluated: 2022-10-21. Review status: criteria provided, single submitter. Criteria: Ambry Variant Classification Scheme 2023. Collection method: clinical testing. Allele origin: germline.

Clinical Cancer Genetics and Family Consultants, Athens Medical Center
Classification: Uncertain significance for Hereditary cancer-predisposing syndrome. Last evaluated: 2019-02-07. Review status: criteria provided, single submitter. Criteria: ACMG Guidelines, 2015. Collection method: clinical testing. Allele origin: germline. Inheritance: Autosomal dominant inheritance. Affected: yes. Observed: 1 heterozygote.
Comment: NM_004329.2:c.1274A>T is a rare variant; frequencies in population databases are: Exome Aggregation Consortium (ExAC)- 0.00002, The Genome Aggregation Database (gnomAD)- 0.00002, Trans-Omics for Precision Medicine (TOPMed)- 0.00002. This variant has not been reported in any breast cancer patient in the literature. The impact of this missense change on protein structure and function is not known. Algorithms developed to predict the effect do not agree - (SIFT: "Tolerated"; PolyPhen-2: "Probably Damaging"; Align-GVGD: "Class C0"). There is no sufficient evidence so far for the pathogenicity of this variant.